The following is an entry in ClinVar:

ClinVar aggregate classification (germline): Uncertain significance (1 of 4 stars; one submission).

gnomAD v4.1: 2 of 1,614,200 alleles (0.00012%); highest among the groups gnomAD compares: Non-Finnish European, 0.00017%; no homozygotes.

Submission:

Labcorp Genetics (formerly Invitae), Labcorp
Classification: Uncertain significance. Last evaluated: 2025-05-13. Review status: criteria provided, single submitter. Criteria: Invitae Variant Classification Sherloc (09022015). Collection method: clinical testing. Allele origin: germline.
Comment: This sequence change replaces glutamine, which is neutral and polar, with arginine, which is basic and polar, at codon 197 of the BLVRA protein (p.Gln197Arg). This variant is not present in population databases (gnomAD no frequency). This variant has not been reported in the literature in individuals affected with BLVRA-related conditions. An algorithm developed to predict the effect of missense changes on protein structure and function (PolyPhen-2) suggests that this variant is likely to be tolerated. In summary, the available evidence is currently insufficient to determine the role of this variant in disease. Therefore, it has been classified as a Variant of Uncertain Significance.

NM_000712.4(BLVRA):c.590A>G (p.Gln197Arg)

Gene: BLVRA (biliverdin reductase A; plus strand). Cytogenetic location: 7p13.
Variant type: single nucleotide variant.
Coding change: c.590A>G on transcript NM_000712.4 (MANE Select); coding-DNA position 590, A replaced by G.
Protein change: p.Gln197Arg; replaces glutamine 197 with arginine.
Molecular consequence: missense variant.
Genome position (GRCh38, 1-based): chr7:43,803,805, A>G. VCF-style: chr7-43803805-A-G. GRCh37 (hg19) VCF-style: chr7-43843404-A-G.
Other names: c.590A>G, p.Gln197Arg (NM_001253823.2); short protein forms Q197R.
Identifiers: ClinVar variation 4807594 (VCV004807594.1).
Genomic context (GRCh38, chr7:43,803,805, plus strand): 5'-TCTCCCTCTTTGGGGAGCTTTCTCTTGTGTCTGCCACTTTGGAAGAGCGAAAGGAAGATC[A>G]GTATATGAAAATGACAGTGTGTCTGGAGACAGAGAAGAAAAGGTAAGTCATGAGAAGCCA-3'
Protein context (NP_000703.2, residues 187-207): SATLEERKED[Gln197Arg]YMKMTVCLET